The following is an entry in ClinVar:

ClinVar aggregate classification (germline): Likely benign. Review status: criteria provided, multiple submitters, no conflicts (2 of 4 stars). 4 submissions from 4 submitters: Likely benign (4). Last evaluated 2026-02-19.

Conditions:
CACNA1C-related disorder. Also called: CACNA1C-related condition; CACNA1C-related disorders. Identifiers: MedGen CN381092, MONDO:0700321.
Long QT syndrome (LQTS). Identifiers: MedGen C0023976, MeSH D008133, MONDO:0002442. Disease mechanism: loss of function. Inheritance: Various modes of inheritance.
Cardiovascular phenotype. Identifiers: MedGen CN230736.

Allele frequency attached by ClinVar (database versions not stated): gnomAD 0.00001; TOPMed 0.00001; 1000 Genomes Project 0.00020; 1000 Genomes Project 30x 0.00016.
gnomAD v4.1: 16 of 1,614,150 alleles (0.00099%); highest among the groups gnomAD compares: South Asian, 0.012%; no homozygotes.

Submissions (4):

PreventionGenetics, part of Exact Sciences
Classification: Likely benign for CACNA1C-related condition. Last evaluated: 2026-02-19. Review status: criteria provided, single submitter. Criteria: ACMG Guidelines, 2015. Collection method: clinical testing. Allele origin: germline.
Comment: This variant is classified as likely benign based on ACMG/AMP sequence variant interpretation guidelines (Richards et al. 2015 PMID: 25741868, with internal and published modifications).

Labcorp Genetics (formerly Invitae), Labcorp
Classification: Likely benign for Long QT syndrome. Last evaluated: 2025-02-17. Review status: criteria provided, single submitter. Criteria: Invitae Variant Classification Sherloc (09022015). Collection method: clinical testing. Allele origin: germline.

Ambry Genetics
Classification: Likely benign for Cardiovascular phenotype. Last evaluated: 2022-04-26. Review status: criteria provided, single submitter. Criteria: Ambry Variant Classification Scheme 2023. Collection method: clinical testing. Allele origin: germline.

GeneDx
Classification: Likely benign. Last evaluated: 2018-01-22. Review status: criteria provided, single submitter. Criteria: GeneDx Variant Classification (06012015). Collection method: clinical testing. Allele origin: germline. Affected: yes.
Comment: This variant is considered likely benign or benign based on one or more of the following criteria: it is a conservative change, it occurs at a poorly conserved position in the protein, it is predicted to be benign by multiple in silico algorithms, and/or has population frequency not consistent with disease.

NM_000719.7(CACNA1C):c.3498C>T (p.Ile1166=)

Gene: CACNA1C (calcium voltage-gated channel subunit alpha1 C; plus strand). Cytogenetic location: 12p13.33.
Variant type: single nucleotide variant.
Coding change: c.3498C>T on transcript NM_000719.7 (MANE Select); coding-DNA position 3498, C replaced by T.
Protein change: p.Ile1166=; no amino-acid change (isoleucine 1166 retained).
Molecular consequence: synonymous variant.
Genome position (GRCh38, 1-based): chr12:2,608,652, C>T. VCF-style: chr12-2608652-C-T. GRCh37 (hg19) VCF-style: chr12-2717818-C-T.
Other names: c.3558C>T, p.Ile1186= (NM_001129827.2, NM_001129832.2, NM_199460.4); c.3498C>T, p.Ile1166= (NM_001129829.2, NM_001129830.3, NM_001129831.2 and 15 more transcripts); c.3489C>T, p.Ile1163= (NM_001129844.2).
Identifiers: ClinVar variation 514978 (VCV000514978.15), dbSNP rs201147949, ClinGen allele CA6389241.